The following is an entry in ClinVar:

ClinVar aggregate classification (germline): Likely pathogenic (1 of 4 stars; one submission).

Submission:

GeneDx
Classification: Likely pathogenic. Last evaluated: 2019-03-08. Review status: criteria provided, single submitter. Criteria: GeneDx Variant Classification (06012015). Collection method: clinical testing. Allele origin: germline. Affected: yes.
Comment: A variant that is likely pathogenic has been identified in the TMEM5 gene. The c.413dupG variant has not been published as a pathogenic variant, nor has it been reported as a benign variant to our knowledge. The c.413dupG variant is not observed at a significant frequency in large population cohorts (Lek et al., 2016). The c.413dupG variant causes a frameshift starting with codon Arginine 139, changes this amino acid to a Lysine residue and creates a premature Stop codon at position 20 of the new reading frame, denoted p.Arg139LysfsX20. This variant is predicted to cause loss of normal protein function either through protein truncation or nonsense-mediated mRNA decay. Therefore, this variant is likely pathogenic; however, the possibility that it is benign cannot be excluded.

NM_014254.3(RXYLT1):c.413dup (p.Arg139fs)

Gene: RXYLT1 (ribitol xylosyltransferase 1; plus strand). Cytogenetic location: 12q14.2.
Variant type: Duplication.
Coding change: c.413dup on transcript NM_014254.3 (MANE Select); coding-DNA position 413, one base duplicated (G; older notation c.413dupG).
Protein change: p.Arg139fs; shifts the reading frame from arginine 139.
Molecular consequence: frameshift variant. On other transcripts: 5 prime UTR variant (1).
Genome position (GRCh38, 1-based): chr12:63,785,057, G duplicated; the last of 2 consecutive G bases (chr12:63,785,056-63,785,057); duplicating either gives the same sequence. VCF-style (leftmost placement, unchanged base first): chr12-63785055-A-AG. GRCh37 (hg19) VCF-style: chr12-64178835-A-AG.
Other names: c.-368dup (NM_001278237.2); short protein forms R139fs.
Identifiers: ClinVar variation 818053 (VCV000818053.1), dbSNP rs1303817555, ClinGen allele CA605358654.
Genomic context (GRCh38, chr12:63,785,055, plus strand): 5'-TGAAGGCTTACTTGATCCCAGCGATGTGACTGCTCAATGGAGAGAAGGAAAGTCAATCGT[A>AG]GGAAGAACACAGTACAGGTATTGGTTGTATTAGTTGTGCAACATTAACCTTTGATGTTTT-3'